The following is an entry in ClinVar:

ClinVar aggregate classification (germline): Uncertain significance (1 of 4 stars; one submission).

Conditions:
Hereditary nonpolyposis colorectal neoplasms. Identifiers: MedGen C0009405, MeSH D003123.

Submission:

Labcorp Genetics (formerly Invitae), Labcorp
Classification: Uncertain significance for Hereditary nonpolyposis colorectal neoplasms. Last evaluated: 2025-07-08. Review status: criteria provided, single submitter. Criteria: Invitae Variant Classification Sherloc (09022015). Collection method: clinical testing. Allele origin: germline.
Comment: This sequence change replaces phenylalanine, which is neutral and non-polar, with tyrosine, which is neutral and polar, at codon 1191 of the MSH6 protein (p.Phe1191Tyr). This variant is not present in population databases (gnomAD no frequency). This variant has not been reported in the literature in individuals affected with MSH6-related conditions. Invitae Evidence Modeling of protein sequence and biophysical properties (such as structural, functional, and spatial information, amino acid conservation, physicochemical variation, residue mobility, and thermodynamic stability) indicates that this missense variant is not expected to disrupt MSH6 protein function with a negative predictive value of 95%. In summary, the available evidence is currently insufficient to determine the role of this variant in disease. Therefore, it has been classified as a Variant of Uncertain Significance.

NM_000179.3(MSH6):c.3572T>A (p.Phe1191Tyr)

Gene: MSH6 (mutS homolog 6; plus strand). Cytogenetic location: 2p16.3.
Variant type: single nucleotide variant.
Coding change: c.3572T>A on transcript NM_000179.3 (MANE Select); coding-DNA position 3572, T replaced by A.
Protein change: p.Phe1191Tyr; replaces phenylalanine 1191 with tyrosine.
Molecular consequence: missense variant. On other transcripts: non-coding transcript variant (5).
Genome position (GRCh38, 1-based): chr2:47,805,633, T>A. VCF-style: chr2-47805633-T-A. GRCh37 (hg19) VCF-style: chr2-48032772-T-A.
Other names: c.3275T>A, p.Phe1092Tyr (NM_001406801.1, NM_001406805.1, NM_001406818.1 and 10 more transcripts); c.3668T>A, p.Phe1223Tyr (NM_001406802.1, NM_001406795.1); c.2708T>A, p.Phe903Tyr (NM_001406803.1); c.3494T>A, p.Phe1165Tyr (NM_001406804.1); c.3047T>A, p.Phe1016Tyr (NM_001406806.1, NM_001406807.1, NM_001406799.1); c.3572T>A, p.Phe1191Tyr (NM_001406808.1, NM_001406809.1, NM_001406796.1 and 1 more transcripts); c.2666T>A, p.Phe889Tyr (NM_001406811.1, NM_001406812.1, NM_001406814.1 and 6 more transcripts); c.3578T>A, p.Phe1193Tyr (NM_001406813.1); and 7 more; short protein forms F1016Y, F1061Y, F1092Y, F1133Y, F1135Y, F1165Y, F118Y, F1191Y.
Identifiers: ClinVar variation 4800230 (VCV004800230.1).
Genomic context (GRCh38, chr2:47,805,633, plus strand): 5'-TGATTTGCAAAATGAGTATTCATTTGTGATTTTTTTTTTTTTAAGGTGAAAGTACATTTT[T>A]TGTTGAATTAAGTGAAACTGCCAGCATACTCATGCATGCAACAGCACATTCTCTGGTGCT-3'
Protein context (NP_000170.1, residues 1181-1201): DRIMSGESTF[Phe1191Tyr]VELSETASIL